The following is an entry in ClinVar:

NM_000530.8(MPZ):c.-34_-17del

Gene: MPZ (myelin protein zero; minus strand). Cytogenetic location: 1q23.3.
Variant type: Deletion.
Coding change: c.-34_-17del on transcript NM_000530.8 (MANE Select); 34 bases upstream of the start codon through 17 bases upstream of the start codon, 18 bases deleted (ACAGATGCTCCGGGCCCC).
Molecular consequence: 5 prime UTR variant.
Genome position (GRCh38, 1-based): chr1:161,309,922-161,309,939, GGGGCCCGGAGCATCTGT deleted on the plus strand (ACAGATGCTCCGGGCCCC on the coding strand, the reverse complement: MPZ is on the minus strand); deleting any 18 consecutive bases within chr1:161,309,922-161,309,943 gives the same sequence; the c. name uses the placement nearest the transcript's 3' end. VCF-style (leftmost placement, unchanged base first): chr1-161309921-AGGGGCCCGGAGCATCTGT-A. GRCh37 (hg19) VCF-style: chr1-161279711-AGGGGCCCGGAGCATCTGT-A.
Other names: c.-34_-17del (LRG_256t1, NM_001315491.2).
Identifiers: ClinVar variation 517838 (VCV000517838.1), dbSNP rs1553260024, ClinGen allele CA658795557.

ClinVar aggregate classification (germline): Likely benign (1 of 4 stars; one submission).

Submission:

GeneDx
Classification: Likely benign. Last evaluated: 2017-04-07. Review status: criteria provided, single submitter. Criteria: GeneDx Variant Classification (06012015). Collection method: clinical testing. Allele origin: germline. Affected: yes.
Comment: This variant is considered likely benign or benign based on one or more of the following criteria: it is a conservative change, it occurs at a poorly conserved position in the protein, it is predicted to be benign by multiple in silico algorithms, and/or has population frequency not consistent with disease.